The following is an entry in ClinVar:

ClinVar aggregate classification (germline): Uncertain significance. Review status: criteria provided, single submitter (1 of 4 stars). 2 submissions from 2 submitters: Uncertain significance (1). 1 of the submissions does not count toward it. Last evaluated 2023-04-09.

Conditions:
Mosaic variegated aneuploidy syndrome 1 (MVA1). Also called: Warburton-Anyane-Yeboa syndrome. Identifiers: Orphanet 1052, MedGen C1850343, MONDO:0009759, OMIM 257300.

Submissions (2):

Labcorp Genetics (formerly Invitae), Labcorp
Classification: Uncertain significance for Mosaic variegated aneuploidy syndrome 1. Last evaluated: 2023-04-09. Review status: criteria provided, single submitter. Criteria: Invitae Variant Classification Sherloc (09022015). Collection method: clinical testing. Allele origin: germline.
Comment: In summary, the available evidence is currently insufficient to determine the role of this variant in disease. Therefore, it has been classified as a Variant of Uncertain Significance. Algorithms developed to predict the effect of missense changes on protein structure and function output the following: SIFT: "Not Available"; PolyPhen-2: "Benign"; Align-GVGD: "Not Available". The proline amino acid residue is found in multiple mammalian species, which suggests that this missense change does not adversely affect protein function. ClinVar contains an entry for this variant (Variation ID: 133770). This variant has not been reported in the literature in individuals affected with BUB1B-related conditions. This variant is not present in population databases (gnomAD no frequency). This sequence change replaces serine, which is neutral and polar, with proline, which is neutral and non-polar, at codon 627 of the BUB1B protein (p.Ser627Pro).

ITMI
No classification provided. Condition: AllHighlyPenetrant. Last evaluated: 2013-09-19. Review status: no classification provided. Collection method: reference population. Allele origin: germline. Not counted in ClinVar's aggregate classification.
Comment: Please see associated publication for description of ethnicities

Literature cited by the submitters: PubMed 24728327 (cited by ITMI).

NM_001211.6(BUB1B):c.1879T>C (p.Ser627Pro)

Gene: BUB1B (BUB1 mitotic checkpoint serine/threonine kinase B; plus strand). Cytogenetic location: 15q15.1.
Variant type: single nucleotide variant.
Coding change: c.1879T>C on transcript NM_001211.6 (MANE Select); coding-DNA position 1879, T replaced by C.
Protein change: p.Ser627Pro; replaces serine 627 with proline.
Molecular consequence: missense variant.
Genome position (GRCh38, 1-based): chr15:40,206,328, T>C. VCF-style: chr15-40206328-T-C. GRCh37 (hg19) VCF-style: chr15-40498529-T-C.
Other names: short protein forms S627P.
Identifiers: ClinVar variation 133770 (VCV000133770.4), dbSNP rs587778142, ClinGen allele CA157759.